The following is an entry in ClinVar:

ClinVar aggregate classification (germline): Pathogenic/Likely pathogenic. Review status: criteria provided, multiple submitters, no conflicts (2 of 4 stars). 5 submissions from 5 submitters: Pathogenic (3); Likely pathogenic (2). Last evaluated 2025-01-08.

Conditions:
USH2A-related disorder. Also called: USH2A-related condition; USH2A-related disorders. Identifiers: MedGen CN239332.
Usher syndrome type 2A. Also called: RETINAL DISEASE IN USHER SYNDROME TYPE IIA, MODIFIER OF; USHER SYNDROME, TYPE IIA. Identifiers: Orphanet 231178, Orphanet 886, MedGen C1848634, MONDO:0010169, OMIM 276901.
Retinitis pigmentosa 39 (RP39). Identifiers: Orphanet 791, MedGen C3151138, MONDO:0013436, OMIM 613809.

Submissions (5):

Natera, Inc.
Classification: Likely pathogenic for Usher syndrome type 2A. Last evaluated: 2025-01-08. Review status: criteria provided, single submitter. Criteria: Natera Variant Classification Schema (03/2026). Collection method: clinical testing. Allele origin: germline.
Comment: The c.612dup variant in USH2A is a frameshift variant predicted to shift the reading frame beginning at codon 205 and leads to a stop codon 11 codons downstream. This variant is expected to result in nonsense mediated decay, truncation, or a dysfunctional protein product. This variant is rare in the general population with a frequency below the threshold expected for the associated phenotype(s). Given the available evidence, this variant is classified as Likely Pathogenic.

Labcorp Genetics (formerly Invitae), Labcorp
Classification: Pathogenic. Last evaluated: 2024-02-09. Review status: criteria provided, single submitter. Criteria: Invitae Variant Classification Sherloc (09022015). Collection method: clinical testing. Allele origin: germline.
Comment: This sequence change creates a premature translational stop signal (p.Arg205Glufs*11) in the USH2A gene. It is expected to result in an absent or disrupted protein product. Loss-of-function variants in USH2A are known to be pathogenic (PMID: 10729113, 10909849, 20507924, 25649381). This variant is not present in population databases (gnomAD no frequency). This premature translational stop signal has been observed in individual(s) with Usher syndrome (PMID: 18665195). This variant is also known as c.612_613insG (p.R205EfsX11). ClinVar contains an entry for this variant (Variation ID: 855548). For these reasons, this variant has been classified as Pathogenic.

Genome-Nilou Lab
Classification: Pathogenic for Usher syndrome type 2A. Last evaluated: 2023-11-04. Review status: criteria provided, single submitter. Criteria: ACMG Guidelines, 2015. Collection method: clinical testing. Allele origin: germline. Affected: no.

GeneDx
Classification: Pathogenic. Last evaluated: 2022-08-12. Review status: criteria provided, single submitter. Criteria: GeneDx Variant Classification Process June 2021. Collection method: clinical testing. Allele origin: germline. Affected: yes.
Comment: Frameshift variant predicted to result in protein truncation or nonsense mediated decay in a gene for which loss of function is a known mechanism of disease; Not observed at significant frequency in large population cohorts (gnomAD); This variant is associated with the following publications: (PMID: 32037395, 18665195)

Blueprint Genetics
Classification: Likely pathogenic for USH2A-related disorders. Last evaluated: 2020-09-30. Review status: criteria provided, single submitter. Criteria: ACMG Guidelines, 2015. Collection method: clinical testing. Allele origin: germline. Affected: yes. Observed: 2 variant alleles.

Literature cited by the submitters: PubMed 10729113 (cited by Labcorp Genetics (formerly Invitae), Labcorp); PubMed 10909849 (cited by Labcorp Genetics (formerly Invitae), Labcorp); PubMed 20507924 (cited by Labcorp Genetics (formerly Invitae), Labcorp); PubMed 25649381 (cited by Labcorp Genetics (formerly Invitae), Labcorp); PubMed 18665195 (cited by Labcorp Genetics (formerly Invitae), Labcorp).

NM_206933.4(USH2A):c.612dup (p.Arg205fs)

Gene: USH2A (usherin; minus strand). Cytogenetic location: 1q41.
Variant type: Duplication.
Coding change: c.612dup on transcript NM_206933.4 (MANE Select); coding-DNA position 612, one base duplicated (G; older notation c.612dupG).
Protein change: p.Arg205fs; shifts the reading frame from arginine 205.
Molecular consequence: frameshift variant.
Genome position (GRCh38, 1-based): chr1:216,418,553, C duplicated on the plus strand (G on the coding strand, the reverse complement: USH2A is on the minus strand); the first of 4 consecutive C bases (chr1:216,418,553-216,418,556); duplicating any one gives the same sequence. VCF-style (leftmost placement, unchanged base first): chr1-216418552-T-TC. GRCh37 (hg19) VCF-style: chr1-216591894-T-TC.
Other names: c.612dup, p.Arg205fs (NM_007123.6); short protein forms R205fs.
Identifiers: ClinVar variation 855548 (VCV000855548.14), dbSNP rs2039614529, ClinGen allele CA916082148.